The following is an entry in ClinVar:

ClinVar aggregate classification (germline): Pathogenic (1 of 4 stars; one submission).

Conditions:
Leukocyte adhesion deficiency 3. Also called: INTEGRIN ACTIVATION DEFICIENCY DISEASE; LEUKOCYTE ADHESION DEFICIENCY 1 VARIANT; Leukocyte adhesion deficiency, type III. Identifiers: Orphanet 2968, Orphanet 99844, MedGen C2748536, MONDO:0013016, OMIM 612840.

Submission:

Labcorp Genetics (formerly Invitae), Labcorp
Classification: Pathogenic for Leukocyte adhesion deficiency 3. Last evaluated: 2022-08-09. Review status: criteria provided, single submitter. Criteria: Invitae Variant Classification Sherloc (09022015). Collection method: clinical testing. Allele origin: germline.
Comment: For these reasons, this variant has been classified as Pathogenic. This variant has not been reported in the literature in individuals affected with FERMT3-related conditions. This variant is not present in population databases (gnomAD no frequency). This sequence change creates a premature translational stop signal (p.Glu283Thrfs*7) in the FERMT3 gene. It is expected to result in an absent or disrupted protein product. Loss-of-function variants in FERMT3 are known to be pathogenic (PMID: 19064721, 19234463, 22134107).

Literature cited by the submitters: PubMed 19064721; PubMed 19234463; PubMed 22134107.

NM_031471.6(FERMT3):c.847_853del (p.Glu283fs)

Gene: FERMT3 (FERM domain containing kindlin 3; plus strand). Cytogenetic location: 11q13.1.
Variant type: Deletion.
Coding change: c.847_853del on transcript NM_031471.6 (MANE Select); coding-DNA positions 847 to 853, 7 bases deleted (GAGATTG; older notation c.847_853delGAGATTG).
Protein change: p.Glu283fs; shifts the reading frame from glutamic acid 283.
Molecular consequence: frameshift variant.
Genome position (GRCh38, 1-based): chr11:64,219,311-64,219,317, GAGATTG deleted; deleting any 7 consecutive bases within chr11:64,219,310-64,219,317 gives the same sequence; the c. name uses the placement nearest the transcript's 3' end. VCF-style (leftmost placement, unchanged base first): chr11-64219309-AGGAGATT-A. GRCh37 (hg19) VCF-style: chr11-63986781-AGGAGATT-A.
Other names: c.847_853del, p.Glu283fs (NM_001382361.1, NM_001382362.1, NM_001382448.1 and 1 more transcripts); c.307_313del, p.Glu103fs (NM_001382363.1, NM_001382364.1); short protein forms E103fs, E283fs.
Identifiers: ClinVar variation 2023047 (VCV002023047.4), dbSNP rs2496016889, ClinGen allele CA2580084391.